The following is an entry in ClinVar:

NM_024642.5(GALNT12):c.1011A>G (p.Gly337=)

Gene: GALNT12 (polypeptide N-acetylgalactosaminyltransferase 12; plus strand). Cytogenetic location: 9q22.33.
Variant type: single nucleotide variant.
Coding change: c.1011A>G on transcript NM_024642.5 (MANE Select); coding-DNA position 1011, A replaced by G.
Protein change: p.Gly337=; no amino-acid change (glycine 337 retained).
Molecular consequence: synonymous variant.
Genome position (GRCh38, 1-based): chr9:98,835,342, A>G. VCF-style: chr9-98835342-A-G. GRCh37 (hg19) VCF-style: chr9-101597624-A-G.
Identifiers: ClinVar variation 1729864 (VCV001729864.3), dbSNP rs781422155, ClinGen allele CA5154133.

ClinVar aggregate classification (germline): Benign/Likely benign. Review status: criteria provided, multiple submitters, no conflicts (2 of 4 stars). 2 submissions from 2 submitters: Benign (1); Likely benign (1). Last evaluated 2026-04-24.

Conditions:
Colorectal cancer, susceptibility to, 1. Also called: COLORECTAL ADENOMA AND CANCER, SUSCEPTIBILITY TO; COLORECTAL CANCER, SUSCEPTIBILITY TO, ON CHROMOSOME 9. Identifiers: MedGen C1837315, MONDO:0012132, OMIM 608812.

Allele frequency attached by ClinVar (database versions not stated): gnomAD exomes below 0.00001; ExAC 0.00001.
gnomAD v4.1: 1 of 1,609,330 alleles (0.000062%); highest among the groups gnomAD compares: East Asian, 0.0022%; no homozygotes.

Submissions (2):

Myriad Genetics, Inc.
Classification: Benign for Colorectal cancer, susceptibility to, 1. Last evaluated: 2026-04-24. Review status: criteria provided, single submitter. Criteria: Myriad Autosomal Dominant, Autosomal Recessive and X-Linked Classification Criteria (2023). Collection method: clinical testing. Allele origin: unknown.
Comment: This variant is considered benign. This variant is a silent/synonymous amino acid change and it is not expected to impact splicing.

Ambry Genetics
Classification: Likely benign. Last evaluated: 2021-07-31. Review status: criteria provided, single submitter. Criteria: Ambry Variant Classification Scheme 2023. Collection method: clinical testing. Allele origin: germline.